The following is an entry in ClinVar:

ClinVar aggregate classification (germline): Uncertain significance (1 of 4 stars; one submission).

Conditions:
Progressive familial heart block type IB (PFHB1B). Identifiers: Orphanet 871, MedGen C1970298, MONDO:0011474, OMIM 604559.

Allele frequency attached by ClinVar (database versions not stated): gnomAD exomes below 0.00001; ExAC 0.00003.
gnomAD v4.1: 5 of 1,607,160 alleles (0.00031%); highest among the groups gnomAD compares: Non-Finnish European, 0.00034%; no homozygotes.

Submission:

Labcorp Genetics (formerly Invitae), Labcorp
Classification: Uncertain significance for Progressive familial heart block type IB. Last evaluated: 2026-02-01. Review status: criteria provided, single submitter. Criteria: Invitae Variant Classification Sherloc (09022015). Collection method: clinical testing. Allele origin: germline.
Comment: This sequence change creates a premature translational stop signal (p.Gln1180*) in the TRPM4 gene. It is expected to result in an absent or disrupted protein product. However, the current clinical and genetic evidence is not sufficient to establish whether loss-of-function variants in TRPM4 cause disease. This variant is present in population databases (rs764327774, gnomAD 0.003%). This variant has not been reported in the literature in individuals affected with TRPM4-related conditions. ClinVar contains an entry for this variant (Variation ID: 2763172). Algorithms developed to predict the effect of sequence changes on RNA splicing suggest that this variant may disrupt the consensus splice site. In summary, the available evidence is currently insufficient to determine the role of this variant in disease. Therefore, it has been classified as a Variant of Uncertain Significance.

NM_017636.4(TRPM4):c.3538C>T (p.Gln1180Ter)

Gene: TRPM4 (transient receptor potential cation channel subfamily M member 4; plus strand). Cytogenetic location: 19q13.33.
Variant type: single nucleotide variant.
Coding change: c.3538C>T on transcript NM_017636.4 (MANE Select); coding-DNA position 3538, C replaced by T.
Protein change: p.Gln1180Ter; replaces glutamine 1180 with a stop codon.
Molecular consequence: nonsense.
Genome position (GRCh38, 1-based): chr19:49,211,167, C>T. VCF-style: chr19-49211167-C-T. GRCh37 (hg19) VCF-style: chr19-49714424-C-T.
Other names: c.3103C>T, p.Gln1035Ter (NM_001195227.2); c.3193C>T, p.Gln1065Ter (NM_001321281.2); c.1930C>T, p.Gln644Ter (NM_001321282.2); c.3016C>T, p.Gln1006Ter (NM_001321283.2); c.2476C>T, p.Gln826Ter (NM_001321285.2); short protein forms Q1065*, Q1006*, Q644*, Q1035*, Q1180*, Q826*.
Identifiers: ClinVar variation 2763172 (VCV002763172.3), dbSNP rs764327774, ClinGen allele CA9569967.